The following is an entry in ClinVar:

ClinVar aggregate classification (germline): Uncertain significance (1 of 4 stars; one submission).

Conditions:
Inborn genetic diseases. Identifiers: MedGen C0950123, MeSH D030342.

Submission:

Ambry Genetics
Classification: Uncertain significance for Inborn genetic diseases. Last evaluated: 2025-01-13. Review status: criteria provided, single submitter. Criteria: Ambry Variant Classification Scheme 2023. Collection method: clinical testing. Allele origin: germline.
Comment: The p.D1046G variant (also known as c.3137A>G), located in coding exon 24 of the ANKRD26 gene, results from an A to G substitution at nucleotide position 3137. The aspartic acid at codon 1046 is replaced by glycine, an amino acid with similar properties. This amino acid position is conserved. In addition, this alteration is predicted to be tolerated by in silico analysis. Based on the available evidence, the clinical significance of this variant remains unclear.

NM_014915.3(ANKRD26):c.3137A>G (p.Asp1046Gly)

Gene: ANKRD26 (ankyrin repeat domain containing 26; minus strand). Cytogenetic location: 10p12.1.
Variant type: single nucleotide variant.
Coding change: c.3137A>G on transcript NM_014915.3 (MANE Select); coding-DNA position 3137, A replaced by G.
Protein change: p.Asp1046Gly; replaces aspartic acid 1046 with glycine.
Molecular consequence: missense variant.
Genome position (GRCh38, 1-based): chr10:27,035,313, T>C on the plus strand (A>G on the coding strand, the complement: ANKRD26 is on the minus strand). VCF-style: chr10-27035313-T-C. GRCh37 (hg19) VCF-style: chr10-27324242-T-C.
Other names: c.3134A>G, p.Asp1045Gly (NM_001256053.2); short protein forms D1045G, D1046G.
Identifiers: ClinVar variation 3870400 (VCV003870400.1).